The following is an entry in ClinVar:

NM_147127.5(EVC2):c.3218T>C (p.Val1073Ala)

Gene: EVC2 (EvC ciliary complex subunit 2; minus strand). Cytogenetic location: 4p16.2.
Variant type: single nucleotide variant.
Coding change: c.3218T>C on transcript NM_147127.5 (MANE Select); coding-DNA position 3218, T replaced by C.
Protein change: p.Val1073Ala; replaces valine 1073 with alanine.
Molecular consequence: missense variant.
Genome position (GRCh38, 1-based): chr4:5,576,294, A>G on the plus strand (T>C on the coding strand, the complement: EVC2 is on the minus strand). VCF-style: chr4-5576294-A-G. GRCh37 (hg19) VCF-style: chr4-5578021-A-G.
Other names: c.2978T>C, p.Val993Ala (NM_001166136.2); short protein forms V1073A, V993A.
Identifiers: ClinVar variation 965821 (VCV000965821.8), dbSNP rs149527560, ClinGen allele CA2834415.
Genomic context (GRCh38, chr4:5,576,294, plus strand): 5'-GCATACCACTGCTGATGTTGCTCCAGTAATGTCTGGCTCTTGCTCAGGGCTTGGTGCAGG[A>G]CAGTAGAGACCTGCCTTTCAGAATCCACCTCCCCAGGTTCGTTCAGAATCCCGGGCCCAT-3'
Protein context (NP_667338.3, residues 1063-1083): EVDSERQVST[Val1073Ala]LHQALSKSQT

ClinVar aggregate classification (germline): Uncertain significance. Review status: criteria provided, multiple submitters, no conflicts (2 of 4 stars). 3 submissions from 3 submitters: Uncertain significance (3). Last evaluated 2025-12-21.

Conditions:
Inborn genetic diseases. Identifiers: MedGen C0950123, MeSH D030342.
Curry-Hall syndrome (WAD). Also called: WEYERS ACRODENTAL DYSOSTOSIS. Identifiers: Orphanet 952, MedGen C0457013, MONDO:0008673, OMIM 193530.
Ellis-van Creveld syndrome (EVC). Also called: EVC-Related Ellis-van Creveld Syndrome; EVC2-Related Ellis-van Creveld Syndrome; MESOECTODERMAL DYSPLASIA; Chondroectodermal dysplasia. Identifiers: Orphanet 289, MedGen C0013903, MONDO:0009162, OMIM 225500.

Allele frequency attached by ClinVar (database versions not stated): gnomAD exomes 0.00002 and 0.00004; ExAC 0.00004; 1000 Genomes Project 0.00020; gnomAD 0.00022; ESP Exome Variant Server 0.00023; TOPMed 0.00023; 1000 Genomes Project 30x 0.00031.
gnomAD v4.1: 65 of 1,614,132 alleles (0.004%); highest among the groups gnomAD compares: African/African-American, 0.065%; no homozygotes.

Submissions (3):

Labcorp Genetics (formerly Invitae), Labcorp
Classification: Uncertain significance for Curry-Hall syndrome; Ellis-van Creveld syndrome. Last evaluated: 2025-12-21. Review status: criteria provided, single submitter. Criteria: Invitae Variant Classification Sherloc (09022015). Collection method: clinical testing. Allele origin: germline.
Comment: This sequence change replaces valine, which is neutral and non-polar, with alanine, which is neutral and non-polar, at codon 1073 of the EVC2 protein (p.Val1073Ala). This variant is present in population databases (rs149527560, gnomAD 0.06%). This variant has not been reported in the literature in individuals affected with EVC2-related conditions. ClinVar contains an entry for this variant (Variation ID: 965821). An algorithm developed to predict the effect of missense changes on protein structure and function outputs the following: PolyPhen-2: "Benign". The alanine amino acid residue is found in multiple mammalian species, which suggests that this missense change does not adversely affect protein function. In summary, the available evidence is currently insufficient to determine the role of this variant in disease. Therefore, it has been classified as a Variant of Uncertain Significance.

ARUP Laboratories, Molecular Genetics and Genomics, ARUP Laboratories
Classification: Uncertain significance. Last evaluated: 2024-01-26. Review status: criteria provided, single submitter. Criteria: ARUP Molecular Germline Variant Investigation Process 2024. Collection method: clinical testing. Allele origin: germline.
Comment: The EVC2 c.3218T>C; p.Val1073Ala variant (rs149527560), to our knowledge, is not reported in the medical literature but is reported in ClinVar (Variation ID: 965821). This variant is observed in the general population with an overall allele frequency of 0.006% (17/282876 alleles) in the Genome Aggregation Database (v2.1.1). Computational analyses are uncertain whether this variant is neutral or deleterious (REVEL: 0.186). Due to limited information, the clinical significance of this variant is uncertain at this time.

Ambry Genetics
Classification: Uncertain significance for Inborn genetic diseases. Last evaluated: 2023-11-03. Review status: criteria provided, single submitter. Criteria: Ambry Variant Classification Scheme 2023. Collection method: clinical testing. Allele origin: germline.